The following is an entry in ClinVar:

NM_020944.3(GBA2):c.2608C>T (p.Arg870Ter)

Gene: GBA2 (glucosylceramidase beta 2; minus strand). Cytogenetic location: 9p13.3.
Variant type: single nucleotide variant.
Coding change: c.2608C>T on transcript NM_020944.3 (MANE Select); coding-DNA position 2608, C replaced by T.
Protein change: p.Arg870Ter; replaces arginine 870 with a stop codon.
Molecular consequence: nonsense. On other transcripts: 3 prime UTR variant (1).
Genome position (GRCh38, 1-based): chr9:35,737,345, G>A on the plus strand (C>T on the coding strand, the complement: GBA2 is on the minus strand). VCF-style: chr9-35737345-G-A. GRCh37 (hg19) VCF-style: chr9-35737342-G-A.
Other names: c.*131C>T (NM_001330660.2); c.2608C>T (NM_020944.2); short protein forms R870*.
Identifiers: ClinVar variation 2440428 (VCV002440428.5), dbSNP rs1347178549, ClinGen allele CA373401121.

ClinVar aggregate classification (germline): Likely pathogenic. Review status: criteria provided, multiple submitters, no conflicts (2 of 4 stars). 3 submissions from 3 submitters: Likely pathogenic (2). 1 of the submissions does not count toward it. Last evaluated 2024-12-23.

Conditions:
Hereditary spastic paraplegia 46. Also called: Spastic paraplegia 46, autosomal recessive. Identifiers: Orphanet 320391, MedGen C2828721, MONDO:0013737, OMIM 614409.

Allele frequency attached by ClinVar (database versions not stated): gnomAD 0.00001; TOPMed 0.00001.
gnomAD v4.1: 13 of 1,614,002 alleles (0.00081%); highest among the groups gnomAD compares: Non-Finnish European, 0.001%; no homozygotes.

Submissions (3):

GeneDx
Classification: Likely pathogenic. Last evaluated: 2024-12-23. Review status: criteria provided, single submitter. Criteria: GeneDx Variant Classification Process June 2021. Collection method: clinical testing. Allele origin: germline. Affected: yes.
Comment: Observed in apparent homozygous state in a patient with clinical findings of GBA2-related spastic paraplegia in the literature, and not observed in homozygous (PMID: 37152446, 33227682); Nonsense variant predicted to result in protein truncation as the last 58 amino acids are lost; Not observed at significant frequency in large population cohorts (gnomAD); This variant is associated with the following publications: (PMID: 26909767, 26220345, 30662006, 33227682, 37152446)

Revvity Omics, Revvity
Classification: Likely pathogenic for Hereditary spastic paraplegia 46. Last evaluated: 2022-03-08. Review status: criteria provided, single submitter. Criteria: ACMG Guidelines, 2015. Collection method: clinical testing. Allele origin: germline.

Solve-RD Consortium
Classification: Likely pathogenic for Hereditary spastic paraplegia 46. Last evaluated: 2022-06-01. Review status: no assertion criteria provided. Collection method: provider interpretation. Allele origin: inherited. Affected: yes. Not counted in ClinVar's aggregate classification.
Comment: Variant confirmed as disease-causing by referring clinical team

Variant identified during reanalysis of unsolved cases by the Solve-RD project. The Solve-RD project has received funding from the European Union’s Horizon 2020 research and innovation programme under grant agreement No 779257.

Literature cited by the submitters: PubMed 39825153 (cited by Solve-RD Consortium).